The following is an entry in ClinVar:

ClinVar aggregate classification (germline): Uncertain significance (1 of 4 stars; one submission).

Submission:

Labcorp Genetics (formerly Invitae), Labcorp
Classification: Uncertain significance. Last evaluated: 2023-08-10. Review status: criteria provided, single submitter. Criteria: Invitae Variant Classification Sherloc (09022015). Collection method: clinical testing. Allele origin: germline.
Comment: This sequence change replaces asparagine, which is neutral and polar, with serine, which is neutral and polar, at codon 382 of the FRMD7 protein (p.Asn382Ser). This variant is not present in population databases (gnomAD no frequency). This variant has not been reported in the literature in individuals affected with FRMD7-related conditions. ClinVar contains an entry for this variant (Variation ID: 1449544). An algorithm developed to predict the effect of missense changes on protein structure and function (PolyPhen-2) suggests that this variant is likely to be tolerated. In summary, the available evidence is currently insufficient to determine the role of this variant in disease. Therefore, it has been classified as a Variant of Uncertain Significance.

NM_194277.3(FRMD7):c.1145A>G (p.Asn382Ser)

Gene: FRMD7 (FERM domain containing 7; minus strand). Cytogenetic location: Xq26.2.
Variant type: single nucleotide variant.
Coding change: c.1145A>G on transcript NM_194277.3 (MANE Select); coding-DNA position 1145, A replaced by G.
Protein change: p.Asn382Ser; replaces asparagine 382 with serine.
Molecular consequence: missense variant.
Genome position (GRCh38, 1-based): chrX:132,078,872, T>C on the plus strand (A>G on the coding strand, the complement: FRMD7 is on the minus strand). VCF-style: chrX-132078872-T-C. GRCh37 (hg19) VCF-style: chrX-131212900-T-C.
Other names: c.1100A>G, p.Asn367Ser (NM_001306193.2); short protein forms N367S, N382S.
Identifiers: ClinVar variation 1449544 (VCV001449544.6), dbSNP rs968426085, ClinGen allele CA335857500.